The following is an entry in ClinVar:

NM_015335.5(MED13L):c.3273C>T (p.Pro1091=)

Gene: MED13L (mediator complex subunit 13L; minus strand). Cytogenetic location: 12q24.21.
Variant type: single nucleotide variant.
Coding change: c.3273C>T on transcript NM_015335.5 (MANE Select); coding-DNA position 3273, C replaced by T.
Protein change: p.Pro1091=; no amino-acid change (proline 1091 retained).
Molecular consequence: synonymous variant.
Genome position (GRCh38, 1-based): chr12:115,991,681, G>A on the plus strand (C>T on the coding strand, the complement: MED13L is on the minus strand). VCF-style: chr12-115991681-G-A. GRCh37 (hg19) VCF-style: chr12-116429486-G-A.
Identifiers: ClinVar variation 415969 (VCV000415969.34), dbSNP rs145072799, ClinGen allele CA6811001.

ClinVar aggregate classification (germline): Likely benign. Review status: criteria provided, multiple submitters, no conflicts (2 of 4 stars). 2 submissions from 2 submitters: Likely benign (2). Last evaluated 2022-09-01.

Conditions:
Dextro-looped transposition of the great arteries. Also called: Dextrotransposition of the great arteries. Identifiers: Orphanet 860, MedGen C3531771, MONDO:0019443, OMIM 608808, HP:0031348.

Allele frequency attached by ClinVar (database versions not stated): gnomAD exomes 0.00001 and 0.00002; ExAC 0.00002; TOPMed 0.00002; gnomAD 0.00003 and 0.00004; ESP Exome Variant Server 0.00015.
gnomAD v4.1: 17 of 1,613,864 alleles (0.0011%); highest among the groups gnomAD compares: Non-Finnish European, 0.0014%; no homozygotes.

Submissions (2):

CeGaT Center for Human Genetics Tuebingen
Classification: Likely benign. Last evaluated: 2022-09-01. Review status: criteria provided, single submitter. Criteria: CeGaT Center For Human Genetics Tuebingen Variant Classification Criteria Version 2. Collection method: clinical testing. Allele origin: germline. Affected: yes. Observed: 1 variant allele.
Comment: MED13L: BP4, BP7

Labcorp Genetics (formerly Invitae), Labcorp
Classification: Likely benign for Dextro-looped transposition of the great arteries. Last evaluated: 2022-05-07. Review status: criteria provided, single submitter. Criteria: Invitae Variant Classification Sherloc (09022015). Collection method: clinical testing. Allele origin: germline.